The following is an entry in ClinVar:

ClinVar aggregate classification (germline): Conflicting classifications of pathogenicity. Review status: criteria provided, conflicting classifications (1 of 4 stars). 6 submissions from 4 submitters: Uncertain significance (5); Likely benign (1). Last evaluated 2025-09-30.

Conditions:
Age related macular degeneration 9. Identifiers: MedGen C1969651, MONDO:0012659, OMIM 611378.
Atypical hemolytic-uremic syndrome with C3 anomaly. Also called: AHUS, SUSCEPTIBILITY TO, 5. Identifiers: Orphanet 2134, MedGen C2752037, MONDO:0013043, OMIM 612925.
Atypical hemolytic-uremic syndrome. Identifiers: Orphanet 2134, MedGen C2931788, MONDO:0016244.
Complement component 3 deficiency. Identifiers: Orphanet 280133, MedGen C3151071, MONDO:0013417, OMIM 613779.
C3 glomerulonephritis. Also called: C3 GLOMERULOPATHY 3; Nephropathy due to CFHR5 Deficiency. Identifiers: Orphanet 329931, MedGen C4055342, MONDO:0013892, OMIM 614809.

Allele frequency attached by ClinVar (database versions not stated): TOPMed 0.00004; gnomAD 0.00005; gnomAD exomes 0.00007 and 0.00008; ExAC 0.00008.
gnomAD v4.1: 104 of 1,613,636 alleles (0.0064%); highest among the groups gnomAD compares: Non-Finnish European, 0.0069%; no homozygotes.

Submissions (6):

Genomenon, Inc
Classification: Uncertain significance for Complement component 3 deficiency; C3 glomerulonephritis; Atypical hemolytic-uremic syndrome. Last evaluated: 2025-09-30. Review status: criteria provided, single submitter. Criteria: Genomenon Sequence Variant Interpretation Standards. Collection method: curation. Allele origin: germline. Affected: no.
Comment: C3 p.Leu1318Arg (c.3953T>G) is a missense variant that changes the amino acid at residue 1318 from Leucine to Arginine. This variant has been reported in the published literature (PMID:26283675;29327071). It is absent or not present at a significant frequency in gnomAD. In silico models agree that this variant is not damaging. In conclusion, we classify C3 p.Leu1318Arg (c.3953T>G) as a variant of unknown significance.

Labcorp Genetics (formerly Invitae), Labcorp
Classification: Uncertain significance. Last evaluated: 2025-08-19. Review status: criteria provided, single submitter. Criteria: Invitae Variant Classification Sherloc (09022015). Collection method: clinical testing. Allele origin: germline.
Comment: This sequence change replaces leucine, which is neutral and non-polar, with arginine, which is basic and polar, at codon 1318 of the C3 protein (p.Leu1318Arg). This variant is present in population databases (rs769873702, gnomAD 0.04%). This missense change has been observed in individual(s) with C3-related conditions (PMID: 26283675). ClinVar contains an entry for this variant (Variation ID: 894696). Invitae Evidence Modeling of protein sequence and biophysical properties (such as structural, functional, and spatial information, amino acid conservation, physicochemical variation, residue mobility, and thermodynamic stability) indicates that this missense variant is expected to disrupt C3 protein function with a positive predictive value of 80%. In summary, the available evidence is currently insufficient to determine the role of this variant in disease. Therefore, it has been classified as a Variant of Uncertain Significance.

Blueprint Genetics
Classification: Uncertain significance. Last evaluated: 2024-11-26. Review status: criteria provided, single submitter. Criteria: ACMG Guidelines, 2015. Collection method: clinical testing. Allele origin: germline.

Illumina Laboratory Services, Illumina
Classification: Uncertain significance for Age related macular degeneration 9. Last evaluated: 2018-01-13. Review status: criteria provided, single submitter. Criteria: ICSL Variant Classification Criteria 13 December 2019. Collection method: clinical testing. Allele origin: germline.

Illumina Laboratory Services, Illumina
Classification: Uncertain significance for Complement component 3 deficiency. Last evaluated: 2018-01-13. Review status: criteria provided, single submitter. Criteria: ICSL Variant Classification Criteria 13 December 2019. Collection method: clinical testing. Allele origin: germline.

Illumina Laboratory Services, Illumina
Classification: Likely benign for Atypical hemolytic-uremic syndrome with C3 anomaly. Last evaluated: 2018-01-13. Review status: criteria provided, single submitter. Criteria: ICSL Variant Classification Criteria 13 December 2019. Collection method: clinical testing. Allele origin: germline.
Comment: This variant was observed in the ICSL laboratory as part of a predisposition screen in an ostensibly healthy population. It had not been previously curated by ICSL or reported in the Human Gene Mutation Database (HGMD: prior to June 1st, 2018), and was therefore a candidate for classification through an automated scoring system. Utilizing variant allele frequency, disease prevalence and penetrance estimates, and inheritance mode, an automated score was calculated to assess if this variant is too frequent to cause the disease. Based on the score and internal cut-off values, a variant classified as likely benign is not then subjected to further curation. The score for this variant resulted in a classification of likely benign for this disease.

Literature cited by the submitters: PubMed 26283675 (cited by Genomenon, Inc and Labcorp Genetics (formerly Invitae), Labcorp); PubMed 29327071 (cited by Genomenon, Inc).

NM_000064.4(C3):c.3953T>G (p.Leu1318Arg)

Gene: C3 (complement C3; minus strand). Cytogenetic location: 19p13.3.
Variant type: single nucleotide variant.
Coding change: c.3953T>G on transcript NM_000064.4 (MANE Select); coding-DNA position 3953, T replaced by G.
Protein change: p.Leu1318Arg; replaces leucine 1318 with arginine.
Molecular consequence: missense variant.
Genome position (GRCh38, 1-based): chr19:6,685,004, A>C on the plus strand (T>G on the coding strand, the complement: C3 is on the minus strand). VCF-style: chr19-6685004-A-C. GRCh37 (hg19) VCF-style: chr19-6685015-A-C.
Other names: short protein forms L1318R.
Identifiers: ClinVar variation 894696 (VCV000894696.11), dbSNP rs769873702, ClinGen allele CA9128591.